The following is an entry in ClinVar:

NM_005996.4(TBX3):c.1427G>T (p.Gly476Val)

Gene: TBX3 (T-box transcription factor 3; minus strand). Cytogenetic location: 12q24.21.
Variant type: single nucleotide variant.
Coding change: c.1427G>T on transcript NM_005996.4 (MANE Select); coding-DNA position 1427, G replaced by T.
Protein change: p.Gly476Val; replaces glycine 476 with valine.
Molecular consequence: missense variant.
Genome position (GRCh38, 1-based): chr12:114,674,448, C>A on the plus strand (G>T on the coding strand, the complement: TBX3 is on the minus strand). VCF-style: chr12-114674448-C-A. GRCh37 (hg19) VCF-style: chr12-115112253-C-A.
Other names: c.1487G>T, p.Gly496Val (NM_016569.4); c.1487G>T (NM_016569.3); short protein forms G496V, G476V.
Identifiers: ClinVar variation 2471653 (VCV002471653.8), dbSNP rs1024919027, ClinGen allele CA244143546.

ClinVar aggregate classification (germline): Uncertain significance. Review status: criteria provided, multiple submitters, no conflicts (2 of 4 stars). 3 submissions from 3 submitters: Uncertain significance (3). Last evaluated 2026-01-15.

Conditions:
Ulnar-mammary syndrome (UMS). Also called: SCHINZEL SYNDROME; Ulnar-mammary syndrome of Pallister; PALLISTER ULNAR-MAMMARY SYNDROME. Identifiers: Orphanet 3138, MedGen C1866994, MONDO:0008411, OMIM 181450.
TBX3-related disorder. Also called: TBX3-related condition.
Inborn genetic diseases. Identifiers: MedGen C0950123, MeSH D030342.

gnomAD v4.1: 19 of 1,546,118 alleles (0.0012%); highest among the groups gnomAD compares: Non-Finnish European, 0.0016%; no homozygotes.

Submissions (3):

PreventionGenetics, part of Exact Sciences
Classification: Uncertain significance for TBX3-related condition. Last evaluated: 2026-01-15. Review status: criteria provided, single submitter. Criteria: ACMG Guidelines, 2015. Collection method: clinical testing. Allele origin: germline.
Comment: The TBX3 c.1487G>T variant is predicted to result in the amino acid substitution p.Gly496Val. To our knowledge, this variant has not been reported in the literature. This variant is reported in 0.0064% of alleles in individuals of European (non-Finnish) descent in gnomAD. At this time, the clinical significance of this variant is uncertain due to the absence of conclusive functional and genetic evidence.

Labcorp Genetics (formerly Invitae), Labcorp
Classification: Uncertain significance for Ulnar-mammary syndrome. Last evaluated: 2025-12-06. Review status: criteria provided, single submitter. Criteria: Invitae Variant Classification Sherloc (09022015). Collection method: clinical testing. Allele origin: germline.
Comment: This sequence change replaces glycine, which is neutral and non-polar, with valine, which is neutral and non-polar, at codon 476 of the TBX3 protein (p.Gly476Val). This variant is present in population databases (no rsID available, gnomAD 0.004%). This variant has not been reported in the literature in individuals affected with TBX3-related conditions. ClinVar contains an entry for this variant (Variation ID: 2471653). An algorithm developed to predict the effect of missense changes on protein structure and function (PolyPhen-2) suggests that this variant is likely to be tolerated. In summary, the available evidence is currently insufficient to determine the role of this variant in disease. Therefore, it has been classified as a Variant of Uncertain Significance.

Ambry Genetics
Classification: Uncertain significance for Inborn genetic diseases. Last evaluated: 2023-02-16. Review status: criteria provided, single submitter. Criteria: Ambry Variant Classification Scheme 2023. Collection method: clinical testing. Allele origin: germline.